The following is an entry in ClinVar:

ClinVar aggregate classification (germline): Uncertain significance (1 of 4 stars; one submission).

Submission:

Ambry Genetics
Classification: Uncertain significance. Last evaluated: 2022-06-15. Review status: criteria provided, single submitter. Criteria: Ambry Variant Classification Scheme 2023. Collection method: clinical testing. Allele origin: germline.
Comment: The p.A834V variant (also known as c.2501C>T), located in coding exon 13 of the NPAT gene, results from a C to T substitution at nucleotide position 2501. The alanine at codon 834 is replaced by valine, an amino acid with similar properties. This amino acid position is conserved. In addition, this alteration is predicted to be tolerated by in silico analysis. Since supporting evidence is limited at this time, the clinical significance of this alteration remains unclear.

NM_002519.3(NPAT):c.2501C>T (p.Ala834Val)

Gene: NPAT (nuclear protein, coactivator of histone transcription; minus strand). Cytogenetic location: 11q22.3.
Variant type: single nucleotide variant.
Coding change: c.2501C>T on transcript NM_002519.3 (MANE Select); coding-DNA position 2501, C replaced by T.
Protein change: p.Ala834Val; replaces alanine 834 with valine.
Molecular consequence: missense variant.
Genome position (GRCh38, 1-based): chr11:108,172,483, G>A on the plus strand (C>T on the coding strand, the complement: NPAT is on the minus strand). VCF-style: chr11-108172483-G-A. GRCh37 (hg19) VCF-style: chr11-108043210-G-A.
Other names: c.2501C>T, p.Ala834Val (NM_001321307.1); short protein forms A834V.
Identifiers: ClinVar variation 1792259 (VCV001792259.2), dbSNP rs1409460964, ClinGen allele CA382512840.